The following is an entry in ClinVar:

NM_000142.5(FGFR3):c.1150T>A (p.Phe384Ile)

Gene: FGFR3 (fibroblast growth factor receptor 3; plus strand). Cytogenetic location: 4p16.3.
Variant type: single nucleotide variant.
Coding change: c.1150T>A on transcript NM_000142.5 (MANE Select); coding-DNA position 1150, T replaced by A.
Protein change: p.Phe384Ile; replaces phenylalanine 384 with isoleucine.
Molecular consequence: missense variant. On other transcripts: non-coding transcript variant (1), intron variant (1).
Genome position (GRCh38, 1-based): chr4:1,804,404, T>A. VCF-style: chr4-1804404-T-A. GRCh37 (hg19) VCF-style: chr4-1806131-T-A.
Other names: c.1156T>A, p.Phe386Ile (NM_001163213.2); c.1150T>A, p.Phe384Ile (NM_001354809.2, NM_001354810.2); c.931-420T>A (NM_022965.4); short protein forms F386I, F384I.
Identifiers: ClinVar variation 1910723 (VCV001910723.5), dbSNP rs17881656, ClinGen allele CA2810274.

ClinVar aggregate classification (germline): Uncertain significance (1 of 4 stars; one submission).

gnomAD v4.1: 8 of 1,613,190 alleles (0.0005%); highest among the groups gnomAD compares: Non-Finnish European, 0.00068%; no homozygotes.

Submission:

Labcorp Genetics (formerly Invitae), Labcorp
Classification: Uncertain significance. Last evaluated: 2022-04-15. Review status: criteria provided, single submitter. Criteria: Invitae Variant Classification Sherloc (09022015). Collection method: clinical testing. Allele origin: germline.
Comment: In summary, the available evidence is currently insufficient to determine the role of this variant in disease. Therefore, it has been classified as a Variant of Uncertain Significance. Algorithms developed to predict the effect of missense changes on protein structure and function (SIFT, PolyPhen-2, Align-GVGD) all suggest that this variant is likely to be tolerated. This variant has not been reported in the literature in individuals affected with FGFR3-related conditions. This variant is present in population databases (rs17881656, gnomAD 0.002%). This sequence change replaces phenylalanine, which is neutral and non-polar, with isoleucine, which is neutral and non-polar, at codon 384 of the FGFR3 protein (p.Phe384Ile).